The following is an entry in ClinVar:

NM_001709.5(BDNF):c.-22+777G>T

Gene: BDNF (brain derived neurotrophic factor; minus strand). Cytogenetic location: 11p14.1.
Variant type: single nucleotide variant.
Coding change: c.-22+777G>T on transcript NM_001709.5 (MANE Select); 777 bases into the intron after 22 bases upstream of the start codon, G replaced by T.
Molecular consequence: intron variant. On other transcripts: nonsense (1).
Genome position (GRCh38, 1-based): chr11:27,699,387, C>A on the plus strand (G>T on the coding strand, the complement: BDNF is on the minus strand). VCF-style: chr11-27699387-C-A. GRCh37 (hg19) VCF-style: chr11-27720934-C-A.
Other names: c.19G>T, p.Glu7Ter (NM_170734.4); c.3+22025G>T (NM_170731.5); c.-22+21257G>T (NM_001143805.1); c.-22+21042G>T (NM_001143806.1); c.-22+20959G>T (NM_170732.4); c.-22+20124G>T (NM_001143807.2); c.-22+1910G>T (NM_170733.4); c.-22+1594G>T (NM_001143808.2); and 6 more; short protein forms E7*.
Identifiers: ClinVar variation 3346231 (VCV003346231.1).

ClinVar aggregate classification (germline): Uncertain significance (0 of 4 stars; one submission).

Conditions:
BDNF-related disorder. Also called: BDNF-related condition.

gnomAD v4.1: 4 of 1,614,050 alleles (0.00025%); highest among the groups gnomAD compares: African/African-American, 0.0053%; no homozygotes.

Submission:

PreventionGenetics, part of Exact Sciences
Classification: Uncertain significance for BDNF-related condition. Last evaluated: 2024-04-24. Review status: no assertion criteria provided. Collection method: clinical testing. Allele origin: germline.
Comment: The BDNF c.19G>T variant is predicted to result in premature protein termination (p.Glu7*). To our knowledge, this variant has not been reported in the literature or in a large population database, indicating this variant is rare. At this time, the clinical significance of this variant is uncertain due to the absence of conclusive functional and genetic evidence.